The following is an entry in ClinVar:

ClinVar aggregate classification (germline): Likely pathogenic (1 of 4 stars; one submission).

Conditions:
SLC39A8-CDG. Also called: SLC39A8 deficiency; CONGENITAL DISORDER OF GLYCOSYLATION, TYPE IIn; CDG IIn. Identifiers: Orphanet 468699, MedGen C4225234, MONDO:0014746, OMIM 616721.

Submission:

Baylor Genetics
Classification: Likely pathogenic for SLC39A8-CDG. Last evaluated: 2020-09-19. Review status: criteria provided, single submitter. Criteria: ACMG Guidelines, 2015. Collection method: clinical testing. Allele origin: unknown. Affected: yes.
Comment: This variant was determined to be likely pathogenic according to ACMG Guidelines, 2015 [PMID:25741868].

NM_001135146.2(SLC39A8):c.316C>T (p.Gln106Ter)

Gene: SLC39A8 (solute carrier family 39 member 8; minus strand). Cytogenetic location: 4q24.
Variant type: single nucleotide variant.
Coding change: c.316C>T on transcript NM_001135146.2 (MANE Select); coding-DNA position 316, C replaced by T.
Protein change: p.Gln106Ter; replaces glutamine 106 with a stop codon.
Molecular consequence: nonsense.
Genome position (GRCh38, 1-based): chr4:102,315,734, G>A on the plus strand (C>T on the coding strand, the complement: SLC39A8 is on the minus strand). VCF-style: chr4-102315734-G-A. GRCh37 (hg19) VCF-style: chr4-103236891-G-A.
Other names: c.316C>T, p.Gln106Ter (NM_001135147.1, NM_022154.5); c.115C>T, p.Gln39Ter (NM_001135148.2); short protein forms Q106*, Q39*.
Identifiers: ClinVar variation 1030798 (VCV001030798.1), dbSNP rs1734625225, ClinGen allele CA357755443.